The following is an entry in ClinVar:

NM_005120.3(MED12):c.5957A>C (p.Asp1986Ala)

Gene: MED12 (mediator complex subunit 12; plus strand). Cytogenetic location: Xq13.1.
Variant type: single nucleotide variant.
Coding change: c.5957A>C on transcript NM_005120.3 (MANE Select); coding-DNA position 5957, A replaced by C.
Protein change: p.Asp1986Ala; replaces aspartic acid 1986 with alanine.
Molecular consequence: missense variant.
Genome position (GRCh38, 1-based): chrX:71,137,856, A>C. VCF-style: chrX-71137856-A-C. GRCh37 (hg19) VCF-style: chrX-70357706-A-C.
Other names: short protein forms D1986A.
Identifiers: ClinVar variation 424466 (VCV000424466.2), dbSNP rs1064796982, ClinGen allele CA16621489.
Genomic context (GRCh38, chrX:71,137,856, plus strand): 5'-CCAGCTACTCCAGCCAGCCTTACCAGAGCACCCACCCTTCTACCAATCCTACTCTTGTAG[A>C]TCCTACCCGCCACCTGCAACAGCGGCCCAGTGGCTATGTGCACCAGCAGGCCCCCACCTA-3'
Protein context (NP_005111.2, residues 1976-1996): THPSTNPTLV[Asp1986Ala]PTRHLQQRPS

ClinVar aggregate classification (germline): Uncertain significance (1 of 4 stars; one submission).

Submission:

GeneDx
Classification: Uncertain significance. Last evaluated: 2017-03-20. Review status: criteria provided, single submitter. Criteria: GeneDx Variant Classification (06012015). Collection method: clinical testing. Allele origin: germline. Affected: yes.
Comment: The D1986A variant has not been published as pathogenic or been reported as benign to our knowledge. The D1986A variant is not observed in large population cohorts (Lek et al., 2016; 1000 Genomes Consortium et al., 2015; Exome Variant Server). The D1986A variant is a non-conservative amino acid substitution, which is likely to impact secondary protein structure as these residues differ in polarity, charge, size and/or other properties. This substitution occurs at a position that is conserved across species. Lastly, the mjority of in silico analyses (2 out of 3) predict this variant is probably damaging to the protein structure/function.